The following is an entry in ClinVar:

ClinVar aggregate classification (germline): Uncertain significance (1 of 4 stars; one submission).

Conditions:
RYR1-related disorder. Also called: RYR1-related condition; RYR1-related disorders. Identifiers: MedGen CN239331.

gnomAD v4.1: 5 of 1,614,160 alleles (0.00031%); highest among the groups gnomAD compares: Admixed American, 0.0083%; no homozygotes.

Submission:

Labcorp Genetics (formerly Invitae), Labcorp
Classification: Uncertain significance for RYR1-related disorder. Last evaluated: 2025-08-31. Review status: criteria provided, single submitter. Criteria: Invitae Variant Classification Sherloc (09022015). Collection method: clinical testing. Allele origin: germline.
Comment: This sequence change replaces leucine, which is neutral and non-polar, with phenylalanine, which is neutral and non-polar, at codon 108 of the RYR1 protein (p.Leu108Phe). This variant is present in population databases (rs763484042, gnomAD 0.01%). This variant has not been reported in the literature in individuals affected with RYR1-related conditions. Invitae Evidence Modeling of protein sequence and biophysical properties (such as structural, functional, and spatial information, amino acid conservation, physicochemical variation, residue mobility, and thermodynamic stability) has been performed for this missense variant. However, the output from this modeling did not meet the statistical confidence thresholds required to predict the impact of this variant on RYR1 protein function. In summary, the available evidence is currently insufficient to determine the role of this variant in disease. Therefore, it has been classified as a Variant of Uncertain Significance.

NM_000540.3(RYR1):c.322C>T (p.Leu108Phe)

Gene: RYR1 (ryanodine receptor 1; plus strand). Cytogenetic location: 19q13.2.
Variant type: single nucleotide variant.
Coding change: c.322C>T on transcript NM_000540.3 (MANE Select); coding-DNA position 322, C replaced by T.
Protein change: p.Leu108Phe; replaces leucine 108 with phenylalanine.
Molecular consequence: missense variant.
Genome position (GRCh38, 1-based): chr19:38,443,609, C>T. VCF-style: chr19-38443609-C-T. GRCh37 (hg19) VCF-style: chr19-38934249-C-T.
Other names: c.322C>T, p.Leu108Phe (NM_001042723.2); short protein forms L108F.
Identifiers: ClinVar variation 4751409 (VCV004751409.1).
Genomic context (GRCh38, chr19:38,443,609, plus strand): 5'-CCCCTGCAGTCATCCCAGGGCGGGGGACACAGGACGCTCCTGTATGGCCATGCCATCCTG[C>T]TCCGGCATGCACACAGCCGCATGGTGAGTGCAACCTCGGTGGGCGTGGGCAGGGGCCAGG-3'
Protein context (NP_000531.2, residues 98-118): RTLLYGHAIL[Leu108Phe]RHAHSRMYLS